The following is an entry in ClinVar:

ClinVar aggregate classification (germline): Uncertain significance (1 of 4 stars; one submission).

Allele frequency attached by ClinVar (database versions not stated): gnomAD 0.00003 and 0.00004; TOPMed 0.00003; gnomAD exomes 0.00004; ExAC 0.00005.
gnomAD v4.1: 31 of 1,614,038 alleles (0.0019%); highest among the groups gnomAD compares: Admixed American, 0.0033%; no homozygotes.

Submission:

Labcorp Genetics (formerly Invitae), Labcorp
Classification: Uncertain significance. Last evaluated: 2021-10-13. Review status: criteria provided, single submitter. Criteria: Invitae Variant Classification Sherloc (09022015). Collection method: clinical testing. Allele origin: germline.
Comment: In summary, the available evidence is currently insufficient to determine the role of this variant in disease. Therefore, it has been classified as a Variant of Uncertain Significance. Algorithms developed to predict the effect of missense changes on protein structure and function are either unavailable or do not agree on the potential impact of this missense change (SIFT: "Tolerated"; PolyPhen-2: "Probably Damaging"; Align-GVGD: "Class C0"). This variant has not been reported in the literature in individuals affected with TMEM199-related conditions. This variant is present in population databases (rs782344059, ExAC 0.03%). This sequence change replaces glutamic acid with aspartic acid at codon 114 of the TMEM199 protein (p.Glu114Asp). The glutamic acid residue is highly conserved and there is a small physicochemical difference between glutamic acid and aspartic acid.

NM_152464.3(VMA12):c.342A>C (p.Glu114Asp)

Gene: VMA12 (vacuolar ATPase assembly factor VMA12; plus strand). Cytogenetic location: 17q11.2.
Variant type: single nucleotide variant.
Coding change: c.342A>C on transcript NM_152464.3 (MANE Select); coding-DNA position 342, A replaced by C.
Protein change: p.Glu114Asp; replaces glutamic acid 114 with aspartic acid.
Molecular consequence: missense variant.
Genome position (GRCh38, 1-based): chr17:28,359,371, A>C. VCF-style: chr17-28359371-A-C. GRCh37 (hg19) VCF-style: chr17-26686394-A-C.
Other names: short protein forms E114D.
Identifiers: ClinVar variation 1372956 (VCV001372956.6), dbSNP rs782344059, ClinGen allele CA8457050.